The following is an entry in ClinVar:

NM_000152.5(GAA):c.1134C>A (p.Tyr378Ter)

Gene: GAA (alpha glucosidase; plus strand). Cytogenetic location: 17q25.3.
Variant type: single nucleotide variant.
Coding change: c.1134C>A on transcript NM_000152.5 (MANE Select); coding-DNA position 1134, C replaced by A.
Protein change: p.Tyr378Ter; replaces tyrosine 378 with a stop codon.
Molecular consequence: nonsense.
Genome position (GRCh38, 1-based): chr17:80,108,547, C>A. VCF-style: chr17-80108547-C-A. GRCh37 (hg19) VCF-style: chr17-78082346-C-A.
Other names: c.1134C>A, p.Tyr378Ter (NM_001079803.3, NM_001079804.3); short protein forms Y378*.
Identifiers: ClinVar variation 1070552 (VCV001070552.9), dbSNP rs1567830317, ClinGen allele CA401365022.

ClinVar aggregate classification (germline): Pathogenic (1 of 4 stars; one submission).

Conditions:
Glycogen storage disease, type II (IOPD). Also called: GLYCOGENOSIS, GENERALIZED, CARDIAC FORM; GSD II; Glucosidase acid-1,4-alpha deficiency; Pompe Disease; Glycogen storage disease type 2; Acid maltase deficiency disease. Identifiers: Orphanet 365, MedGen C0017921, MONDO:0009290, OMIM 232300.

Submission:

Labcorp Genetics (formerly Invitae), Labcorp
Classification: Pathogenic for Glycogen storage disease, type II. Last evaluated: 2022-03-23. Review status: criteria provided, single submitter. Criteria: Invitae Variant Classification Sherloc (09022015). Collection method: clinical testing. Allele origin: germline.
Comment: Algorithms developed to predict the effect of sequence changes on RNA splicing suggest that this variant may disrupt the consensus splice site. For these reasons, this variant has been classified as Pathogenic. ClinVar contains an entry for this variant (Variation ID: 1070552). This premature translational stop signal has been observed in individual(s) with Pompe disease (PMID: 18425781, 29181627). This variant is not present in population databases (gnomAD no frequency). This sequence change creates a premature translational stop signal (p.Tyr378*) in the GAA gene. It is expected to result in an absent or disrupted protein product. Loss-of-function variants in GAA are known to be pathogenic (PMID: 18425781, 22252923).

Literature cited by the submitters: PubMed 18425781; PubMed 29181627; PubMed 22252923.